The following is an entry in ClinVar:

ClinVar aggregate classification (germline): Uncertain significance (1 of 4 stars; one submission).

gnomAD v4.1: 8 of 1,613,770 alleles (0.0005%); highest among the groups gnomAD compares: African/African-American, 0.0027%; no homozygotes.

Submission:

GeneDx
Classification: Uncertain significance. Last evaluated: 2024-07-21. Review status: criteria provided, single submitter. Criteria: GeneDx Variant Classification Process June 2021. Collection method: clinical testing. Allele origin: germline. Affected: yes.
Comment: Not observed at significant frequency in large population cohorts (gnomAD); Missense variant in a gene in which most reported pathogenic variants are truncating/loss of function; Has not been previously published as pathogenic or benign to our knowledge

NM_001267550.2(TTN):c.9133G>A (p.Ala3045Thr)

Gene: TTN (titin; minus strand). Cytogenetic location: 2q31.2.
Variant type: single nucleotide variant.
Coding change: c.9133G>A on transcript NM_001267550.2 (MANE Select); coding-DNA position 9133, G replaced by A.
Protein change: p.Ala3045Thr; replaces alanine 3045 with threonine.
Molecular consequence: missense variant.
Genome position (GRCh38, 1-based): chr2:178,768,703, C>T on the plus strand (G>A on the coding strand, the complement: TTN is on the minus strand). VCF-style: chr2-178768703-C-T. GRCh37 (hg19) VCF-style: chr2-179633430-C-T.
Other names: c.9133G>A, p.Ala3045Thr (NM_001256850.1, NM_133378.4, NM_133379.5); c.8995G>A, p.Ala2999Thr (NM_003319.4, NM_133432.3, NM_133437.4); short protein forms A2999T, A3045T.
Identifiers: ClinVar variation 3600739 (VCV003600739.1).
Genomic context (GRCh38, chr2:178,768,703, plus strand): 5'-TCTATGGATCTAATATGTATGAAACCATACCTTCCACATAAAGTGTGGCTGTTGATGTTG[C>T]TTTTCCAGCCACAAAGGTGTAGTCAGCAGCATCCCCAAAGTGAACATTCCTGATGTTCAG-3'
Protein context (NP_001254479.2, residues 3035-3055): AADYTFVAGK[Ala3045Thr]TSTATLYVEA